The following is an entry in ClinVar:

ClinVar aggregate classification (germline): Uncertain significance (1 of 4 stars; one submission).

Conditions:
Polymicrogyria. Identifiers: Orphanet 35981, MedGen C0266464, MONDO:0000087, HP:0002126.

Allele frequency attached by ClinVar (database versions not stated): ESP Exome Variant Server 0.00008; gnomAD 0.00010 and 0.00011; TOPMed 0.00014.
gnomAD v4.1: 396 of 1,614,024 alleles (0.025%); highest among the groups gnomAD compares: Non-Finnish European, 0.032%; no homozygotes.

Submission:

Lupski Lab, Baylor-Hopkins CMG, Baylor College of Medicine
Classification: Uncertain significance for Polymicrogyria. Last evaluated: 2017-09-01. Review status: criteria provided, single submitter. Criteria: Wiszniewski et al. (Eur J Hum Genet. 2018). Collection method: research. Allele origin: inherited, unknown. Inheritance: Autosomal recessive inheritance. Affected: yes and no. Observed: 2 variant alleles.

NM_001004432.4(LINGO4):c.1262G>A (p.Arg421Gln)

Gene: LINGO4 (leucine rich repeat and Ig domain containing 4; minus strand). Cytogenetic location: 1q21.3.
Variant type: single nucleotide variant.
Coding change: c.1262G>A on transcript NM_001004432.4 (MANE Select); coding-DNA position 1262, G replaced by A.
Protein change: p.Arg421Gln; replaces arginine 421 with glutamine.
Molecular consequence: missense variant.
Genome position (GRCh38, 1-based): chr1:151,801,443, C>T on the plus strand (G>A on the coding strand, the complement: LINGO4 is on the minus strand). VCF-style: chr1-151801443-C-T. GRCh37 (hg19) VCF-style: chr1-151773919-C-T.
Other names: short protein forms R421Q.
Identifiers: ClinVar variation 438603 (VCV000438603.1), dbSNP rs143154971, ClinGen allele CA1095378.